The following is an entry in ClinVar:

ClinVar aggregate classification (germline): Uncertain significance (1 of 4 stars; one submission).

Conditions:
Warburg micro syndrome 2 (WARBM2). Also called: MICRO SYNDROME 2. Identifiers: Orphanet 2510, MedGen C3280214, MONDO:0013641, OMIM 614225.
Martsolf syndrome (MARTS). Also called: Congenital cataract with intellectual disability and hypogonadotropic hypogonadism syndrome. Identifiers: Orphanet 1387, MedGen C0796037, MONDO:0023910.

Submission:

Labcorp Genetics (formerly Invitae), Labcorp
Classification: Uncertain significance for Martsolf syndrome; Warburg micro syndrome 2. Last evaluated: 2025-08-17. Review status: criteria provided, single submitter. Criteria: Invitae Variant Classification Sherloc (09022015). Collection method: clinical testing. Allele origin: germline.
Comment: This sequence change replaces threonine, which is neutral and polar, with asparagine, which is neutral and polar, at codon 811 of the RAB3GAP2 protein (p.Thr811Asn). This variant is present in population databases (no rsID available, gnomAD 0.0008%). This variant has not been reported in the literature in individuals affected with RAB3GAP2-related conditions. Invitae Evidence Modeling of protein sequence and biophysical properties (such as structural, functional, and spatial information, amino acid conservation, physicochemical variation, residue mobility, and thermodynamic stability) indicates that this missense variant is not expected to disrupt RAB3GAP2 protein function with a negative predictive value of 80%. In summary, the available evidence is currently insufficient to determine the role of this variant in disease. Therefore, it has been classified as a Variant of Uncertain Significance.

NM_012414.4(RAB3GAP2):c.2432C>A (p.Thr811Asn)

Gene: RAB3GAP2 (RAB3 GTPase activating non-catalytic protein subunit 2; minus strand). Cytogenetic location: 1q41.
Variant type: single nucleotide variant.
Coding change: c.2432C>A on transcript NM_012414.4 (MANE Select); coding-DNA position 2432, C replaced by A.
Protein change: p.Thr811Asn; replaces threonine 811 with asparagine.
Molecular consequence: missense variant.
Genome position (GRCh38, 1-based): chr1:220,172,034, G>T on the plus strand (C>A on the coding strand, the complement: RAB3GAP2 is on the minus strand). VCF-style: chr1-220172034-G-T. GRCh37 (hg19) VCF-style: chr1-220345376-G-T.
Other names: short protein forms T811N.
Identifiers: ClinVar variation 4783015 (VCV004783015.1).
Genomic context (GRCh38, chr1:220,172,034, plus strand): 5'-GACTGAATACAGGCTGTGCGCATCTGCTGCCACCATGGGGACACAGACTGAGAATCCCAG[G>T]TCTCATCGATGGCCACTATAGGGATAGGAGAAAACAGAAAAATAAACTCTTACCCTGTCA-3'
Protein context (NP_036546.2, residues 801-821): LSKMKVAIDE[Thr811Asn]WDSQSVSPWW